The following is an entry in ClinVar:

ClinVar aggregate classification (germline): Uncertain significance (1 of 4 stars; one submission).

Submission:

GeneDx
Classification: Uncertain significance. Last evaluated: 2020-01-21. Review status: criteria provided, single submitter. Criteria: GeneDx Variant Classification Process June 2021. Collection method: clinical testing. Allele origin: germline. Affected: yes.
Comment: Not observed in large population cohorts (Lek et al., 2016); In silico analysis, which includes protein predictors and evolutionary conservation, supports that this variant does not alter protein structure/function; Has not been previously published as pathogenic or benign to our knowledge

NM_015559.3(SETBP1):c.1727G>A (p.Ser576Asn)

Gene: SETBP1 (SET binding protein 1; plus strand). Cytogenetic location: 18q12.3.
Variant type: single nucleotide variant.
Coding change: c.1727G>A on transcript NM_015559.3 (MANE Select); coding-DNA position 1727, G replaced by A.
Protein change: p.Ser576Asn; replaces serine 576 with asparagine.
Molecular consequence: missense variant.
Genome position (GRCh38, 1-based): chr18:44,951,067, G>A. VCF-style: chr18-44951067-G-A. GRCh37 (hg19) VCF-style: chr18-42531032-G-A.
Other names: c.1727G>A, p.Ser576Asn (NM_001379141.1, NM_001379142.1); short protein forms S576N.
Identifiers: ClinVar variation 1311533 (VCV001311533.2), dbSNP rs2145100286, ClinGen allele CA402319258.
Genomic context (GRCh38, chr18:44,951,067, plus strand): 5'-TGGAGCCCCCGTCTGCATATCCCATCACCCCATCCAGCCCTCTCTACACCAACACAGACA[G>A]TCTTACTGTGATCACTCCAGTCAAAAAGAAGCGGGGACGACCAAAGAAGCAGCCTTTGCT-3'
Protein context (NP_056374.2, residues 566-586): PSSPLYTNTD[Ser576Asn]LTVITPVKKK